The following is an entry in ClinVar:

ClinVar aggregate classification (germline): Conflicting classifications of pathogenicity. Review status: criteria provided, conflicting classifications (1 of 4 stars). 5 submissions from 5 submitters: Uncertain significance (3); Benign (1). 1 of the submissions does not count toward it. Last evaluated 2025-03-10.

Conditions:
PIEZO1-related disorder. Also called: PIEZO1-related condition; PIEZO1-Related Disorders.
Hydrops fetalis. Identifiers: Orphanet 1041, MedGen C0020305, MONDO:0015193, HP:0001789.

Allele frequency attached by ClinVar (database versions not stated): gnomAD 0.00014 and 0.00020; ExAC 0.00013; TOPMed 0.00021; gnomAD exomes 0.00045; 1000 Genomes Project 30x 0.00078; 1000 Genomes Project 0.00080.
gnomAD v4.1: 186 of 1,548,920 alleles (0.012%); highest among the groups gnomAD compares: East Asian, 0.39%; 1 homozygote.

Submissions (5):

Labcorp Genetics (formerly Invitae), Labcorp
Classification: Benign. Last evaluated: 2025-03-10. Review status: criteria provided, single submitter. Criteria: Invitae Variant Classification Sherloc (09022015). Collection method: clinical testing. Allele origin: germline.

Blueprint Genetics
Classification: Uncertain significance. Last evaluated: 2024-09-13. Review status: criteria provided, single submitter. Criteria: ACMG Guidelines, 2015. Collection method: clinical testing. Allele origin: germline.

GeneDx
Classification: Uncertain significance. Last evaluated: 2023-01-23. Review status: criteria provided, single submitter. Criteria: GeneDx Variant Classification Process June 2021. Collection method: clinical testing. Allele origin: germline. Affected: yes.
Comment: In silico analysis supports that this missense variant does not alter protein structure/function; This variant is associated with the following publications: (PMID: 30244526, 31680349)

Center for Reproductive Medicine, Peking University Third Hospital
Classification: Uncertain significance for Hydrops fetalis. Last evaluated: 2019-10-16. Review status: criteria provided, single submitter. Criteria: ACMG Guidelines, 2015. Collection method: clinical testing. Allele origin: germline. Affected: yes.

PreventionGenetics, part of Exact Sciences
Classification: Likely benign for PIEZO1-related condition. Last evaluated: 2021-04-06. Review status: no assertion criteria provided. Collection method: clinical testing. Allele origin: germline. Not counted in ClinVar's aggregate classification.
Comment: This variant is classified as likely benign based on ACMG/AMP sequence variant interpretation guidelines (Richards et al. 2015 PMID: 25741868, with internal and published modifications).

Literature cited by the submitters: PubMed 30244526 (cited by Center for Reproductive Medicine, Peking University Third Hospital); PubMed 31680349 (cited by Center for Reproductive Medicine, Peking University Third Hospital).

NM_001142864.4(PIEZO1):c.3340C>G (p.Gln1114Glu)

Gene: PIEZO1 (piezo type mechanosensitive ion channel component 1 (Er blood group); minus strand). Cytogenetic location: 16q24.3.
Variant type: single nucleotide variant.
Coding change: c.3340C>G on transcript NM_001142864.4 (MANE Select); coding-DNA position 3340, C replaced by G.
Protein change: p.Gln1114Glu; replaces glutamine 1114 with glutamic acid.
Molecular consequence: missense variant.
Genome position (GRCh38, 1-based): chr16:88,727,154, G>C on the plus strand (C>G on the coding strand, the complement: PIEZO1 is on the minus strand). VCF-style: chr16-88727154-G-C. GRCh37 (hg19) VCF-style: chr16-88793562-G-C.
Other names: c.3340C>G (NM_001142864.2, NM_001142864.3); short protein forms Q1114E.
Identifiers: ClinVar variation 978649 (VCV000978649.10), dbSNP rs373706590, ClinGen allele CA8232513.
Genomic context (GRCh38, chr16:88,727,154, plus strand): 5'-GGTCGGTGTTGACGCCAGCCATGCGCTGCCACTCCTCTGTGCGCTCAGCTGAGAACACCT[G>C]CCACTGCTGGGAGGCGCACAGCAGCAGGAGAAAGTCGCCTGCAGGACACAGGAGCCGCCG-3'
Protein context (NP_001136336.2, residues 1104-1124): LLLLCASQQW[Gln1114Glu]VFSAERTEEW